The following is an entry in ClinVar:

ClinVar aggregate classification (germline): Uncertain significance. Review status: criteria provided, multiple submitters, no conflicts (2 of 4 stars). 4 submissions from 4 submitters: Uncertain significance (4). Last evaluated 2025-10-28.

Conditions:
Primary hypomagnesemia (HOMG3). Also called: HYPOMAGNESEMIA 3, RENAL; HYPOMAGNESEMIA, FAMILIAL, WITH HYPERCALCIURIA AND NEPHROCALCINOSIS; HYPOMAGNESEMIA, ISOLATED RENAL; HYPOMAGNESEMIA, PRIMARY, DUE TO DEFECT IN RENAL TUBULAR TRANSPORT OF MAGNESIUM. Identifiers: Orphanet 31043, MedGen C0268448, MONDO:0009550, OMIM 248250.
Inborn genetic diseases. Identifiers: MedGen C0950123, MeSH D030342.

Allele frequency attached by ClinVar (database versions not stated): TOPMed 0.00002; ExAC 0.00001; gnomAD 0.00001; gnomAD exomes 0.00002.
gnomAD v4.1: 53 of 1,613,918 alleles (0.0033%); highest among the groups gnomAD compares: Non-Finnish European, 0.0042%; no homozygotes.

Submissions (4):

Ambry Genetics
Classification: Uncertain significance for Inborn genetic diseases. Last evaluated: 2025-10-28. Review status: criteria provided, single submitter. Criteria: Ambry Variant Classification Scheme 2023. Collection method: clinical testing. Allele origin: germline.

Fulgent Genetics
Classification: Uncertain significance for Primary hypomagnesemia. Last evaluated: 2024-03-12. Review status: criteria provided, single submitter. Criteria: ACMG Guidelines, 2015. Collection method: clinical testing. Allele origin: germline.

Labcorp Genetics (formerly Invitae), Labcorp
Classification: Uncertain significance. Last evaluated: 2022-02-10. Review status: criteria provided, single submitter. Criteria: Invitae Variant Classification Sherloc (09022015). Collection method: clinical testing. Allele origin: germline.
Comment: This sequence change replaces arginine, which is basic and polar, with isoleucine, which is neutral and non-polar, at codon 32 of the CLDN16 protein (p.Arg32Ile). This variant is present in population databases (rs763354782, gnomAD 0.006%). This variant has not been reported in the literature in individuals affected with CLDN16-related conditions. ClinVar contains an entry for this variant (Variation ID: 902251). Algorithms developed to predict the effect of missense changes on protein structure and function are either unavailable or do not agree on the potential impact of this missense change (SIFT: "Deleterious"; PolyPhen-2: "Benign"; Align-GVGD: "Class C0"). In summary, the available evidence is currently insufficient to determine the role of this variant in disease. Therefore, it has been classified as a Variant of Uncertain Significance.

Illumina Laboratory Services, Illumina
Classification: Uncertain significance for Primary hypomagnesemia. Last evaluated: 2018-01-13. Review status: criteria provided, single submitter. Criteria: ICSL Variant Classification Criteria 13 December 2019. Collection method: clinical testing. Allele origin: germline.

NM_006580.4(CLDN16):c.-116G>T

Gene: CLDN16 (claudin 16; plus strand). Cytogenetic location: 3q28.
Variant type: single nucleotide variant.
Coding change: c.-116G>T on transcript NM_006580.4 (MANE Select); 116 bases upstream of the start codon, G replaced by T.
Molecular consequence: 5 prime UTR variant. On other transcripts: intron variant (2).
Genome position (GRCh38, 1-based): chr3:190,388,214, G>T. VCF-style: chr3-190388214-G-T. GRCh37 (hg19) VCF-style: chr3-190106003-G-T.
Other names: c.-93-23G>T (NM_001378492.1, NM_001378493.1).
Identifiers: ClinVar variation 902251 (VCV000902251.13), dbSNP rs763354782, ClinGen allele CA2753695.
Genomic context (GRCh38, chr3:190,388,214, plus strand): 5'-GTTTGTATTATTCTTACTGCAACTCAAGACACCTGCAGCAGGGCGTGAGAAAAAGTAAAA[G>T]ACCAGTATTTTCACATTGCCAGGTACCAGAAACACAGAAGACTGACACCCGCCACTTAAG-3'